The following is an entry in ClinVar:

NM_000038.6(APC):c.135+3582A>C

Gene: APC (APC regulator of WNT signaling pathway; plus strand). Cytogenetic location: 5q22.2.
Variant type: single nucleotide variant.
Coding change: c.135+3582A>C on transcript NM_000038.6 (MANE Select); 3582 bases into the intron after coding-DNA position 135, A replaced by C.
Molecular consequence: intron variant.
Genome position (GRCh38, 1-based): chr5:112,758,607, A>C. VCF-style: chr5-112758607-A-C. GRCh37 (hg19) VCF-style: chr5-112094304-A-C.
Other names: c.135+3582A>C (NM_001354895.2, NM_001127510.3, NM_001354896.2 and 2 more transcripts); c.166-7719A>C (NM_001354897.2, NM_001354902.2, NM_001127511.3); c.61-7719A>C (NM_001354898.2, NM_001354904.2); c.-901+3582A>C (NM_001354906.2); c.-42-7719A>C (NM_001354900.2, NM_001354901.2, NM_001354905.2).
Identifiers: ClinVar variation 82368 (VCV000082368.2), dbSNP rs77757035, ClinGen allele CA004317.
Genomic context (GRCh38, chr5:112,758,607, plus strand): 5'-GAACTCCTGACCTCGTGATCCACCGCCTCGGCCTCCCAAAGTGCTGGGATTACAGGCATG[A>C]GCCACCACGCCTGGCCCCCTCCCCACAACTTTTTTTTAGATGGAGTTTCGTTCTTGTCGC-3'

ClinVar aggregate classification (germline): other (0 of 4 stars; one submission).

Conditions:
Familial colorectal cancer. Identifiers: MedGen CN280943, MONDO:0023113. Disease mechanism: loss of function.

Submission:

Systems Biology Platform Zhejiang California International NanoSystems Institute
Classification: other for Familial colorectal cancer. Review status: no assertion criteria provided. Collection method: not provided. Allele origin: unknown.
ClinVar note: Converted during submission from cancer to other.